The following is an entry in ClinVar:

NM_015046.7(SETX):c.7616C>T (p.Pro2539Leu)

Gene: SETX (senataxin; minus strand). Cytogenetic location: 9q34.13.
Variant type: single nucleotide variant.
Coding change: c.7616C>T on transcript NM_015046.7 (MANE Select); coding-DNA position 7616, C replaced by T.
Protein change: p.Pro2539Leu; replaces proline 2539 with leucine.
Molecular consequence: missense variant.
Genome position (GRCh38, 1-based): chr9:132,264,657, G>A on the plus strand (C>T on the coding strand, the complement: SETX is on the minus strand). VCF-style: chr9-132264657-G-A. GRCh37 (hg19) VCF-style: chr9-135140044-G-A.
Other names: c.7616C>T, p.Pro2539Leu (NM_001351527.2); c.7703C>T, p.Pro2568Leu (NM_001351528.2); short protein forms P2539L, P2568L.
Identifiers: ClinVar variation 3778205 (VCV003778205.7).
Genomic context (GRCh38, chr9:132,264,657, plus strand): 5'-TGTGGATCCCAAAGGAATATTCCTCCTTTGACCTCAATGCCCATCCTCTTCAGCAGTCGT[G>A]GGTCCTGAAGTTGGTCATGAACAGGAGGTCTTTCAGGGTCCTTTGAAGTAACAGTAAGAG-3'
Protein context (NP_055861.3, residues 2529-2549): RPPVHDQLQD[Pro2539Leu]RLLKRMGIEV

ClinVar aggregate classification (germline): Uncertain significance (1 of 4 stars; one submission).

gnomAD v4.1: 12 of 1,614,190 alleles (0.00074%); highest among the groups gnomAD compares: East Asian, 0.0022%; no homozygotes.

Submission:

CeGaT Center for Human Genetics Tuebingen
Classification: Uncertain significance. Last evaluated: 2025-03-01. Review status: criteria provided, single submitter. Criteria: CeGaT Center For Human Genetics Tuebingen Variant Classification Criteria Version 2. Collection method: clinical testing. Allele origin: germline. Affected: yes. Observed: 1 variant allele.
Comment: SETX: PM2